The following is an entry in ClinVar:

ClinVar aggregate classification (germline): Uncertain significance (1 of 4 stars; one submission).

Conditions:
Liver disease, severe congenital (SCOLIV). Also called: FOCAD DEFICIENCY. Identifiers: MedGen C5774195, MONDO:0859273, OMIM 619991.

Submission:

Juno Genomics, Hangzhou Juno Genomics, Inc
Classification: Uncertain significance for Liver disease, severe congenital. Review status: criteria provided, single submitter. Criteria: ACMG Guidelines, 2015. Collection method: clinical testing. Allele origin: germline.
Comment: Absent from controls (or at extremely low frequency if recessive) in Genome Aggregation Database.

NM_001375567.1(FOCAD):c.2398G>T (p.Gly800Ter)

Gene: FOCAD (focadhesin; plus strand). Cytogenetic location: 9p21.3.
Variant type: single nucleotide variant.
Coding change: c.2398G>T on transcript NM_001375567.1 (MANE Select); coding-DNA position 2398, G replaced by T.
Protein change: p.Gly800Ter; replaces glycine 800 with a stop codon.
Molecular consequence: nonsense.
Genome position (GRCh38, 1-based): chr9:20,881,951, G>T. VCF-style: chr9-20881951-G-T. GRCh37 (hg19) VCF-style: chr9-20881950-G-T.
Other names: c.2293G>T, p.Gly765Ter (NM_001375568.1, NM_001375570.1); c.2398G>T, p.Gly800Ter (NM_017794.5); short protein forms G765*, G800*.
Identifiers: ClinVar variation 5007429 (VCV005007429.2).
Genomic context (GRCh38, chr9:20,881,951, plus strand): 5'-TCACTTGTGAAGCAAGAAATGGTGAATATGCCTCGTGGGATATATCACTCTGCATTAAAA[G>T]GAGGTGCCCGCTCAGACCAAGGAAAGACTGTAGCAGGAATCCCCAATTTTATATTGAAAA-3'